The following is an entry in ClinVar:

NM_020911.2(PLXNA4):c.1371+4329G>A

Gene: PLXNA4 (plexin A4; minus strand). Cytogenetic location: 7q32.3.
Variant type: single nucleotide variant.
Coding change: c.1371+4329G>A on transcript NM_020911.2 (MANE Select); 4329 bases into the intron after coding-DNA position 1371, G replaced by A.
Molecular consequence: intron variant. On other transcripts: synonymous variant (1).
Genome position (GRCh38, 1-based): chr7:132,484,963, C>T on the plus strand (G>A on the coding strand, the complement: PLXNA4 is on the minus strand). VCF-style: chr7-132484963-C-T. GRCh37 (hg19) VCF-style: chr7-132169722-C-T.
Other names: c.1422G>A, p.Val474= (NM_181775.4); c.1371+4329G>A (NM_001393897.1, NM_001105543.2).
Identifiers: ClinVar variation 4978419 (VCV004978419.1).

ClinVar aggregate classification (germline): Likely benign (1 of 4 stars; one submission).

Conditions:
PLXNA4-related disorder. Also called: PLXNA4-related condition.

gnomAD v4.1: 1 of 1,614,154 alleles (0.000062%); no homozygotes.

Submission:

PreventionGenetics, part of Exact Sciences
Classification: Likely benign for PLXNA4-related condition. Last evaluated: 2025-05-22. Review status: criteria provided, single submitter. Criteria: ACMG Guidelines, 2015. Collection method: clinical testing. Allele origin: germline.
Comment: This variant is classified as likely benign based on ACMG/AMP sequence variant interpretation guidelines (Richards et al. 2015 PMID: 25741868, with internal and published modifications).